The following is an entry in ClinVar:

NM_001033855.3(DCLRE1C):c.1140_1146del (p.Val381fs)

Gene: DCLRE1C (DNA cross-link repair 1C; minus strand). Cytogenetic location: 10p13.
Variant type: Deletion.
Coding change: c.1140_1146del on transcript NM_001033855.3 (MANE Select); coding-DNA positions 1140 to 1146, 7 bases deleted (AGTTCAC; older notation c.1140_1146delAGTTCAC).
Protein change: p.Val381fs; shifts the reading frame from valine 381.
Molecular consequence: frameshift variant. On other transcripts: non-coding transcript variant (4).
Genome position (GRCh38, 1-based): chr10:14,919,748-14,919,754, GTGAACT deleted on the plus strand (AGTTCAC on the coding strand, the reverse complement: DCLRE1C is on the minus strand); deleting any 7 consecutive bases within chr10:14,919,748-14,919,756 gives the same sequence; the c. name uses the placement nearest the transcript's 3' end. VCF-style (leftmost placement, unchanged base first): chr10-14919747-GGTGAACT-G. GRCh37 (hg19) VCF-style: chr10-14961746-GGTGAACT-G.
Other names: c.780_786del, p.Val261fs (NM_001033857.3, NM_001033858.3, NM_001289077.2 and 2 more transcripts); c.795_801del, p.Val266fs (NM_001289076.2, NM_001289078.2, NM_001350966.2 and 1 more transcripts); c.1140_1146del, p.Val381fs (NM_001350965.2); short protein forms V261fs, V266fs, V381fs.
Identifiers: ClinVar variation 4814544 (VCV004814544.1).

ClinVar aggregate classification (germline): Likely pathogenic (1 of 4 stars; one submission).

Conditions:
Athabaskan severe combined immunodeficiency (SCIDA). Also called: Severe combined immunodeficiency, athabascan-type. Identifiers: MedGen C1865370.

Submission:

Natera, Inc.
Classification: Likely pathogenic for Athabascan severe combined immunodeficiency. Last evaluated: 2024-09-05. Review status: criteria provided, single submitter. Criteria: Natera Variant Classification Schema (03/2026). Collection method: clinical testing. Allele origin: germline.
Comment: The c.1140_1146del variant in DCLRE1C is a frameshift variant predicted to shift the reading frame beginning at codon 381 and leads to a stop codon 19 codons downstream. This variant is expected to result in nonsense mediated decay, truncation, or a dysfunctional protein product. This variant is rare in the general population with a frequency below the threshold expected for the associated phenotype(s). This variant has been observed in one or more individuals affected with the associated recessive disease, as either homozygous or compound heterozygous with a second variant (PMID: 19953608). Given the available evidence, this variant is classified as Likely Pathogenic.

Literature cited by the submitters: PubMed 19953608.